The following is an entry in ClinVar:

NM_182961.4(SYNE1):c.8825G>C (p.Ser2942Thr)

Genes: SYNE1 (spectrin repeat containing nuclear envelope protein 1; minus strand), SYNE1-AS1 (SYNE1 antisense RNA 1; plus strand). Cytogenetic location: 6q25.2.
Variant type: single nucleotide variant.
Coding change: c.8825G>C on transcript NM_182961.4 (MANE Select); coding-DNA position 8825, G replaced by C.
Protein change: p.Ser2942Thr; replaces serine 2942 with threonine.
Molecular consequence: missense variant. On other transcripts: non-coding transcript variant (1).
Genome position (GRCh38, 1-based): chr6:152,381,190, C>G on the plus strand (G>C on the coding strand, the complement: SYNE1 is on the minus strand). VCF-style: chr6-152381190-C-G. GRCh37 (hg19) VCF-style: chr6-152702325-C-G.
Other names: c.8846G>C (NM_033071.3); c.8846G>C, p.Ser2949Thr (NM_033071.5); short protein forms S2942T, S2949T.
Identifiers: ClinVar variation 1430661 (VCV001430661.10), dbSNP rs2154115485, ClinGen allele CA366144306.

ClinVar aggregate classification (germline): Uncertain significance. Review status: criteria provided, multiple submitters, no conflicts (2 of 4 stars). 2 submissions from 2 submitters: Uncertain significance (2). Last evaluated 2021-03-01.

Conditions:
Emery-Dreifuss muscular dystrophy 4, autosomal dominant (EDMD4). Also called: EMERY-DREIFUSS MUSCULAR DYSTROPHY 4 WITH VARIABLE FEATURES. Identifiers: Orphanet 261, MedGen C2751807, MONDO:0013071, OMIM 612998.
Autosomal recessive ataxia, Beauce type. Also called: Spinocerebellar ataxia, autosomal recessive 8; ATAXIA, RECESSIVE, OF BEAUCE; SYNE1 Deficiency; SYNE1-Related Autosomal Recessive Cerebellar Ataxia. Identifiers: Orphanet 88644, MedGen C1853116, MONDO:0012549, OMIM 610743.

Submissions (2):

Labcorp Genetics (formerly Invitae), Labcorp
Classification: Uncertain significance for Emery-Dreifuss muscular dystrophy 4, autosomal dominant; Autosomal recessive ataxia, Beauce type. Last evaluated: 2021-03-01. Review status: criteria provided, single submitter. Criteria: Invitae Variant Classification Sherloc (09022015). Collection method: clinical testing. Allele origin: germline.
Comment: This sequence change replaces serine with threonine at codon 2949 of the SYNE1 protein (p.Ser2949Thr). The serine residue is moderately conserved and there is a small physicochemical difference between serine and threonine. In summary, the available evidence is currently insufficient to determine the role of this variant in disease. Therefore, it has been classified as a Variant of Uncertain Significance. Algorithms developed to predict the effect of missense changes on protein structure and function output the following: SIFT: "Tolerated"; PolyPhen-2: "Benign"; Align-GVGD: "Class C0". The threonine amino acid residue is found in multiple mammalian species, suggesting that this missense change does not adversely affect protein function. These predictions have not been confirmed by published functional studies and their clinical significance is uncertain. This variant has not been reported in the literature in individuals with SYNE1-related conditions. This variant is not present in population databases (ExAC no frequency).

Revvity Omics, Revvity
Classification: Uncertain significance. Last evaluated: 2019-08-12. Review status: criteria provided, single submitter. Criteria: ACMG Guidelines, 2015. Collection method: clinical testing. Allele origin: germline.